The following is an entry in ClinVar:

NM_004333.6(BRAF):c.1180T>C (p.Ser394Pro)

Gene: BRAF (B-Raf proto-oncogene, serine/threonine kinase; minus strand). Cytogenetic location: 7q34.
Variant type: single nucleotide variant.
Coding change: c.1180T>C on transcript NM_004333.6 (MANE Select); coding-DNA position 1180, T replaced by C.
Protein change: p.Ser394Pro; replaces serine 394 with proline.
Molecular consequence: missense variant. On other transcripts: intron variant (2).
Genome position (GRCh38, 1-based): chr7:140,783,155, A>G on the plus strand (T>C on the coding strand, the complement: BRAF is on the minus strand). VCF-style: chr7-140783155-A-G. GRCh37 (hg19) VCF-style: chr7-140482955-A-G.
Other names: c.1180T>C, p.Ser394Pro (NM_001354609.2, NM_001378468.1, NM_001378474.1); c.1300T>C, p.Ser434Pro (NM_001374244.1, NM_001374258.1); c.1189T>C, p.Ser397Pro (NM_001378467.1); c.1078T>C, p.Ser360Pro (NM_001378470.1); c.1024T>C, p.Ser342Pro (NM_001378472.1, NM_001378473.1); c.916T>C, p.Ser306Pro (NM_001378475.1); c.1141-72T>C (NM_001378471.1); c.1178-64T>C (NM_001378469.1); short protein forms S342P, S397P, S434P, S360P, S394P, S306P.
Identifiers: ClinVar variation 910575 (VCV000910575.11), dbSNP rs923739321, ClinGen allele CA168091772.

ClinVar aggregate classification (germline): Uncertain significance. Review status: criteria provided, multiple submitters, no conflicts (2 of 4 stars). 5 submissions from 4 submitters: Uncertain significance (5). Last evaluated 2025-10-07.

Conditions:
Noonan syndrome 1 (NS1). Also called: FEMALE PSEUDO-TURNER SYNDROME; TURNER PHENOTYPE WITH NORMAL KARYOTYPE; PTPN11-Related Noonan Syndrome. Identifiers: Orphanet 648, MedGen C4551602, MONDO:0008104, OMIM 163950. Disease mechanism: gain of function.
Melanoma, cutaneous malignant, susceptibility to, 1 (CMM1). Also called: MELANOMA, MALIGNANT; DYSPLASTIC NEVUS SYNDROME, HEREDITARY; FAMILIAL ATYPICAL MOLE-MALIGNANT MELANOMA SYNDROME; B-K MOLE SYNDROME. Identifiers: Orphanet 618, MedGen C1835047, MONDO:0007963, OMIM 155600.
Cardiofaciocutaneous syndrome 1 (CFC1). Also called: BRAF-Related Cardiofaciocutaneous Syndrome. Identifiers: Orphanet 1340, MedGen CN029449, MONDO:0007265, OMIM 115150. Disease mechanism: gain of function.
Colorectal cancer. Also called: Colorectal cancer, somatic; Malignant Colorectal Neoplasm. Identifiers: MedGen C0346629, MONDO:0005575, OMIM 114500.
LEOPARD syndrome 3 (LPRD3). Identifiers: Orphanet 500, MedGen C3150971, MONDO:0013380, OMIM 613707.
Noonan syndrome 7 (NS7). Also called: BRAF-Related Noonan Syndrome. Identifiers: Orphanet 648, MedGen C3150970, MONDO:0013379, OMIM 613706.
Lung cancer. Also called: Lung cancer, somatic; Malignant tumor of lung. Identifiers: MedGen C0242379, MONDO:0008903, OMIM 211980.
RASopathy. Also called: rasopathies; Noonan spectrum disorder. Identifiers: Orphanet 536391, MedGen C5555857, MONDO:0021060.

Allele frequency attached by ClinVar (database versions not stated): gnomAD exomes 0.00001; TOPMed 0.00002; gnomAD 0.00003 and 0.00004.
gnomAD v4.1: 13 of 1,613,902 alleles (0.00081%); highest among the groups gnomAD compares: Non-Finnish European, 0.0011%; no homozygotes.

Submissions (5):

Labcorp Genetics (formerly Invitae), Labcorp
Classification: Uncertain significance for RASopathy. Last evaluated: 2025-10-07. Review status: criteria provided, single submitter. Criteria: Invitae Variant Classification Sherloc (09022015). Collection method: clinical testing. Allele origin: germline.
Comment: This sequence change replaces serine, which is neutral and polar, with proline, which is neutral and non-polar, at codon 394 of the BRAF protein (p.Ser394Pro). This variant is present in population databases (no rsID available, gnomAD 0.002%). This variant has not been reported in the literature in individuals affected with BRAF-related conditions. ClinVar contains an entry for this variant (Variation ID: 910575). An algorithm developed to predict the effect of missense changes on protein structure and function (PolyPhen-2) suggests that this variant is likely to be tolerated. In summary, the available evidence is currently insufficient to determine the role of this variant in disease. Therefore, it has been classified as a Variant of Uncertain Significance.

Clinical Genomics Laboratory, Washington University in St. Louis
Classification: Uncertain significance for Cardiofaciocutaneous syndrome 1. Last evaluated: 2024-10-15. Review status: criteria provided, single submitter. Criteria: ACMG Guidelines, 2015. Collection method: clinical testing. Allele origin: germline.
Comment: A BRAF c.1180T>C (p.Ser394Pro) variant was identified at a heterozygous allelic fraction of 49.26%, a frequency that may be consistent with germline origin. This variant, to our knowledge, has not been reported in the medical literature and is observed on 13/1,613,902 alleles in the general population (gnomAD v.4.1.0). This variant has been reported in the ClinVar database as a variant of uncertain significance by two submitters (Clinvar ID: 910575). The BRAF gene is defined by the ClinGen RASopathy Expert Panel as a gene that has a low rate of benign missense variation and where pathogenic missense variants are a common mechanism of disease (Gelb BD et al., PMID: 29493581). Computational predictors are uncertain as to the impact of this variant on BRAF function. Due to limited information, and based on ACMG/AMP guidelines for variant interpretation (Richards S et al., PMID: 25741868), the clinical significance of this variant is uncertain at this time.

Fulgent Genetics
Classification: Uncertain significance for Colorectal cancer; Cardiofaciocutaneous syndrome 1; Melanoma, cutaneous malignant, susceptibility to, 1; Noonan syndrome 1; Lung cancer; Noonan syndrome 7; LEOPARD syndrome 3. Last evaluated: 2022-03-02. Review status: criteria provided, single submitter. Criteria: ACMG Guidelines, 2015. Collection method: clinical testing. Allele origin: unknown.

Illumina Laboratory Services, Illumina
Classification: Uncertain significance for LEOPARD syndrome 3. Last evaluated: 2018-01-12. Review status: criteria provided, single submitter. Criteria: ICSL Variant Classification Criteria 13 December 2019. Collection method: clinical testing. Allele origin: germline.

Illumina Laboratory Services, Illumina
Classification: Uncertain significance for Noonan syndrome 7. Last evaluated: 2018-01-12. Review status: criteria provided, single submitter. Criteria: ICSL Variant Classification Criteria 13 December 2019. Collection method: clinical testing. Allele origin: germline.